The following is an entry in ClinVar:

NM_019842.4(KCNQ5):c.1748A>T (p.Asp583Val)

Gene: KCNQ5 (potassium voltage-gated channel subfamily Q member 5; plus strand). Cytogenetic location: 6q13.
Variant type: single nucleotide variant.
Coding change: c.1748A>T on transcript NM_019842.4 (MANE Select); coding-DNA position 1748, A replaced by T.
Protein change: p.Asp583Val; replaces aspartic acid 583 with valine.
Molecular consequence: missense variant.
Genome position (GRCh38, 1-based): chr6:73,192,603, A>T. VCF-style: chr6-73192603-A-T. GRCh37 (hg19) VCF-style: chr6-73902326-A-T.
Other names: c.1721A>T, p.Asp574Val (NM_001160130.2); c.1778A>T, p.Asp593Val (NM_001160132.2); c.1805A>T, p.Asp602Val (NM_001160133.2); c.1418A>T, p.Asp473Val (NM_001160134.2); short protein forms D583V, D574V, D473V, D593V, D602V.
Identifiers: ClinVar variation 3684950 (VCV003684950.2).

ClinVar aggregate classification (germline): Uncertain significance (1 of 4 stars; one submission).

gnomAD v4.1: 15 of 1,612,330 alleles (0.00093%); highest among the groups gnomAD compares: Non-Finnish European, 0.0013%; no homozygotes.

Submission:

Labcorp Genetics (formerly Invitae), Labcorp
Classification: Uncertain significance. Last evaluated: 2024-02-05. Review status: criteria provided, single submitter. Criteria: Invitae Variant Classification Sherloc (09022015). Collection method: clinical testing. Allele origin: germline.
Comment: This sequence change replaces aspartic acid, which is acidic and polar, with valine, which is neutral and non-polar, at codon 602 of the KCNQ5 protein (p.Asp602Val). This variant is not present in population databases (gnomAD no frequency). This variant has not been reported in the literature in individuals affected with KCNQ5-related conditions. Advanced modeling of protein sequence and biophysical properties (such as structural, functional, and spatial information, amino acid conservation, physicochemical variation, residue mobility, and thermodynamic stability) performed at Invitae indicates that this missense variant is not expected to disrupt KCNQ5 protein function with a negative predictive value of 80%. In summary, the available evidence is currently insufficient to determine the role of this variant in disease. Therefore, it has been classified as a Variant of Uncertain Significance.